The following is an entry in ClinVar:

ClinVar aggregate classification (germline): Uncertain significance (1 of 4 stars; one submission).

Submission:

Labcorp Genetics (formerly Invitae), Labcorp
Classification: Uncertain significance. Last evaluated: 2022-10-01. Review status: criteria provided, single submitter. Criteria: Invitae Variant Classification Sherloc (09022015). Collection method: clinical testing. Allele origin: germline.
Comment: In summary, the available evidence is currently insufficient to determine the role of this variant in disease. Therefore, it has been classified as a Variant of Uncertain Significance. Algorithms developed to predict the effect of missense changes on protein structure and function output the following: SIFT: "Not Available"; PolyPhen-2: "Probably Damaging"; Align-GVGD: "Not Available". The serine amino acid residue is found in multiple mammalian species, which suggests that this missense change does not adversely affect protein function. This variant has not been reported in the literature in individuals affected with POC5-related conditions. This variant is not present in population databases (gnomAD no frequency). This sequence change replaces proline, which is neutral and non-polar, with serine, which is neutral and polar, at codon 418 of the POC5 protein (p.Pro418Ser).

NM_001099271.2(POC5):c.1252C>T (p.Pro418Ser)

Gene: POC5 (POC5 centriolar protein; minus strand). Cytogenetic location: 5q13.3.
Variant type: single nucleotide variant.
Coding change: c.1252C>T on transcript NM_001099271.2 (MANE Select); coding-DNA position 1252, C replaced by T.
Protein change: p.Pro418Ser; replaces proline 418 with serine.
Molecular consequence: missense variant.
Genome position (GRCh38, 1-based): chr5:75,685,362, G>A on the plus strand (C>T on the coding strand, the complement: POC5 is on the minus strand). VCF-style: chr5-75685362-G-A. GRCh37 (hg19) VCF-style: chr5-74981187-G-A.
Other names: c.1177C>T, p.Pro393Ser (NM_152408.3); short protein forms P393S, P418S.
Identifiers: ClinVar variation 1720775 (VCV001720775.5), dbSNP rs138072982, ClinGen allele CA360144663.